The following is an entry in ClinVar:

ClinVar aggregate classification (germline): Uncertain significance. Review status: criteria provided, multiple submitters, no conflicts (2 of 4 stars). 2 submissions from 2 submitters: Uncertain significance (2). Last evaluated 2023-04-18.

Conditions:
Microcephaly 18, primary, autosomal dominant (MCPH18). Identifiers: MedGen C4479608, MONDO:0054593, OMIM 617520.

Allele frequency attached by ClinVar (database versions not stated): gnomAD exomes 0.00001 and 0.00002; ExAC 0.00002; TOPMed 0.00002; gnomAD 0.00003; ESP Exome Variant Server 0.00008.
gnomAD v4.1: 28 of 1,613,732 alleles (0.0017%); highest among the groups gnomAD compares: African/African-American, 0.008%; no homozygotes.

Submissions (2):

GeneDx
Classification: Uncertain significance. Last evaluated: 2023-04-18. Review status: criteria provided, single submitter. Criteria: GeneDx Variant Classification Process June 2021. Collection method: clinical testing. Allele origin: germline. Affected: yes.
Comment: Observed in an individual from a large cohort of patients with autism (Guo et al., 2018); In silico analysis supports that this missense variant does not alter protein structure/function; This variant is associated with the following publications: (PMID: 30564305)

New York Genome Center
Classification: Uncertain significance for Microcephaly 18, primary, autosomal dominant. Last evaluated: 2020-07-14. Review status: criteria provided, single submitter. Criteria: NYGC Assertion Criteria 2020. Collection method: clinical testing. Allele origin: de novo. Observed: 1 heterozygote. Study: CSER-NYCKidSeq.
Comment: This variant is found with low frequency in gnomAD(v2.1.1) (4 heterozygotes, 0 homozygotes; allele frequency: 1.59e-5) suggesting it is not a common benign variant in the populations represented in that database, however these 4 heterozygous individuals are reported in the non-neuro cohort of gnomAD(v2.1.1) (rs138292353). In silico algorithms do not agree on the effect of this variant, as it is predicted both Neutral (Provean; score: -0.3) and Damaging (SIFT; score: 0.009) to the function of the canonical transcript. This variant is absent from ClinVar and to our current knowledge has not been reported in affected individuals in the literature. The p.Arg1802 residue is not within a mapped domain of WDFY3. While the c.5404C>T (p.Arg1802Trp) variant is identified de novo in this individual, its presence in 4 individuals within the non-Neuro cohort of gnomAD(v2.1.1) and the absence of additional evidence supporting its pathogenicity results in its classification as a Variant of Uncertain Significance

NM_014991.6(WDFY3):c.5404C>T (p.Arg1802Trp)

Gene: WDFY3 (WD repeat and FYVE domain containing 3; minus strand). Cytogenetic location: 4q21.23.
Variant type: single nucleotide variant.
Coding change: c.5404C>T on transcript NM_014991.6 (MANE Select); coding-DNA position 5404, C replaced by T.
Protein change: p.Arg1802Trp; replaces arginine 1802 with tryptophan.
Molecular consequence: missense variant.
Genome position (GRCh38, 1-based): chr4:84,756,946, G>A on the plus strand (C>T on the coding strand, the complement: WDFY3 is on the minus strand). VCF-style: chr4-84756946-G-A. GRCh37 (hg19) VCF-style: chr4-85678099-G-A.
Other names: short protein forms R1802W.
Identifiers: ClinVar variation 1184342 (VCV001184342.2), dbSNP rs138292353, ClinGen allele CA2993065.
Genomic context (GRCh38, chr4:84,756,946, plus strand): 5'-AATACGTAATTTCACGCACCCCTTGCTAGATAATTCCTACCTGGCAACCCTGCTTACTCC[G>A]GCAGCTGATGACAGGCACACTGACCTGCAGGTTCTCAGGCAGCTCACTAACTGGCTGCTG-3'
Protein context (NP_055806.2, residues 1792-1812): LQVSVPVISC[Arg1802Trp]SKQGCQFDLD